The following is an entry in ClinVar:

NM_001130987.2(DYSF):c.5004-2A>G

Gene: DYSF (dysferlin; plus strand). Cytogenetic location: 2p13.2.
Variant type: single nucleotide variant.
Coding change: c.5004-2A>G on transcript NM_001130987.2 (MANE Select); the canonical splice acceptor site of the intron before coding-DNA position 5004, A replaced by G.
Molecular consequence: splice acceptor variant.
Genome position (GRCh38, 1-based): chr2:71,664,266, A>G. VCF-style: chr2-71664266-A-G. GRCh37 (hg19) VCF-style: chr2-71891396-A-G.
Other names: c.4980-2A>G (NM_001130979.2); c.5001-2A>G (NM_001130981.2); c.4938-2A>G (NM_001130980.2); c.4950-2A>G (NM_001130978.2); c.4887-2A>G (NM_003494.4); c.4908-2A>G (NM_001130977.2); c.4845-2A>G (NM_001130976.2); c.4983-2A>G (NM_001130982.2); and 5 more.
Identifiers: ClinVar variation 948901 (VCV000948901.10), dbSNP rs2094956322, ClinGen allele CA347220141.

ClinVar aggregate classification (germline): Likely pathogenic (1 of 4 stars; one submission).

Conditions:
Neuromuscular disease caused by qualitative or quantitative defects of dysferlin. Also called: Dysferlinopathy; Qualitative or quantitative defects of dysferlin. Identifiers: Orphanet 207073, MedGen C2931687, MONDO:0016145.

Submission:

Labcorp Genetics (formerly Invitae), Labcorp
Classification: Likely pathogenic for Neuromuscular disease caused by qualitative or quantitative defects of dysferlin. Last evaluated: 2022-08-23. Review status: criteria provided, single submitter. Criteria: Invitae Variant Classification Sherloc (09022015). Collection method: clinical testing. Allele origin: germline.
Comment: In summary, the currently available evidence indicates that the variant is pathogenic, but additional data are needed to prove that conclusively. Therefore, this variant has been classified as Likely Pathogenic. Algorithms developed to predict the effect of sequence changes on RNA splicing suggest that this variant may disrupt the consensus splice site. ClinVar contains an entry for this variant (Variation ID: 948901). Disruption of this splice site has been observed in individual(s) with clinical features of DYSF-related conditions (Invitae). This variant is not present in population databases (gnomAD no frequency). This sequence change affects an acceptor splice site in intron 44 of the DYSF gene. It is expected to disrupt RNA splicing. Variants that disrupt the donor or acceptor splice site typically lead to a loss of protein function (PMID: 16199547), and loss-of-function variants in DYSF are known to be pathogenic (PMID: 17698709, 20301480).

Literature cited by the submitters: PubMed 16199547; PubMed 17698709; PubMed 20301480.